The following is an entry in ClinVar:

ClinVar aggregate classification (germline): Likely benign (1 of 4 stars; one submission).

Conditions:
TTC8-related disorder. Also called: TTC8-related condition.

Allele frequency attached by ClinVar (database versions not stated): gnomAD 0.00001; ExAC 0.00010.
gnomAD v4.1: 15 of 1,398,620 alleles (0.0011%); highest among the groups gnomAD compares: Admixed American, 0.0042%; no homozygotes.

Submission:

PreventionGenetics, part of Exact Sciences
Classification: Likely benign for TTC8-related condition. Last evaluated: 2026-04-27. Review status: criteria provided, single submitter. Criteria: ACMG Guidelines, 2015. Collection method: clinical testing. Allele origin: germline.
Comment: This variant is classified as likely benign based on ACMG/AMP sequence variant interpretation guidelines (Richards et al. 2015 PMID: 25741868, with internal and published modifications).

NM_144596.4(TTC8):c.624+2739T>A

Gene: TTC8 (tetratricopeptide repeat domain 8; plus strand). Cytogenetic location: 14q31.3.
Variant type: single nucleotide variant.
Coding change: c.624+2739T>A on transcript NM_144596.4 (MANE Select); 2739 bases into the intron after coding-DNA position 624, T replaced by A.
Molecular consequence: intron variant.
Genome position (GRCh38, 1-based): chr14:88,846,589, T>A. VCF-style: chr14-88846589-T-A. GRCh37 (hg19) VCF-style: chr14-89312933-T-A.
Other names: c.30+5032T>A (NM_001288782.1); c.595-9T>A (NM_001288781.1); c.594+2739T>A (NM_198309.3, NM_001366535.2); c.-153-259T>A (NM_001288783.1); c.504+2739T>A (NM_198310.3, NM_001366536.2).
Identifiers: ClinVar variation 3053033 (VCV003053033.3), dbSNP rs769278536, ClinGen allele CA7302540.